The following is an entry in ClinVar:

ClinVar aggregate classification (germline): Benign/Likely benign. Review status: criteria provided, multiple submitters, no conflicts (2 of 4 stars). 2 submissions from 2 submitters: Benign (1); Likely benign (1). Last evaluated 2025-05-13.

Conditions:
Tuberous sclerosis 2 (TSC2). Identifiers: Orphanet 805, MedGen C1860707, MONDO:0013199, OMIM 613254.
Hereditary cancer-predisposing syndrome. Also called: Tumor predisposition; Neoplastic Syndromes, Hereditary; Hereditary Cancer Syndrome; Hereditary neoplastic syndrome. Identifiers: Orphanet 140162, MedGen C0027672, MeSH D009386, MONDO:0015356.

Allele frequency attached by ClinVar (database versions not stated): gnomAD exomes below 0.00001.

Submissions (2):

Myriad Genetics, Inc.
Classification: Benign for Tuberous sclerosis 2. Last evaluated: 2025-05-13. Review status: criteria provided, single submitter. Criteria: Myriad Autosomal Dominant, Autosomal Recessive and X-Linked Classification Criteria (2023). Collection method: clinical testing. Allele origin: unknown.
Comment: This variant is considered benign. This variant is a silent/synonymous amino acid change and it is not expected to impact splicing.

Ambry Genetics
Classification: Likely benign for Hereditary cancer-predisposing syndrome. Last evaluated: 2023-09-07. Review status: criteria provided, single submitter. Criteria: Ambry Variant Classification Scheme 2023. Collection method: clinical testing. Allele origin: germline.

NM_000548.5(TSC2):c.1041G>A (p.Lys347=)

Gene: TSC2 (TSC complex subunit 2; plus strand). Cytogenetic location: 16p13.3.
Variant type: single nucleotide variant.
Coding change: c.1041G>A on transcript NM_000548.5 (MANE Select); coding-DNA position 1041, G replaced by A.
Protein change: p.Lys347=; no amino-acid change (lysine 347 retained).
Molecular consequence: synonymous variant. On other transcripts: 5 prime UTR variant (10), non-coding transcript variant (5).
Genome position (GRCh38, 1-based): chr16:2,060,735, G>A. VCF-style: chr16-2060735-G-A. GRCh37 (hg19) VCF-style: chr16-2110736-G-A.
Other names: c.1041G>A, p.Lys347= (NM_001077183.3, NM_001114382.3, NM_001363528.2 and 6 more transcripts); c.930G>A, p.Lys310= (NM_001318827.2, NM_001406670.1, NM_001406678.1); c.894G>A, p.Lys298= (NM_001318829.2, NM_001406675.1, NM_001406676.1 and 1 more transcripts); c.441G>A, p.Lys147= (NM_001318831.2, NM_001406680.1, NM_001406682.1 and 6 more transcripts); c.1074G>A, p.Lys358= (NM_001318832.2); c.1131G>A, p.Lys377= (NM_001406667.1, NM_001406668.1); c.1029G>A, p.Lys343= (NM_001406671.1, NM_001406673.1); c.984G>A, p.Lys328= (NM_001406677.1); and 4 more.
Identifiers: ClinVar variation 2626458 (VCV002626458.3), dbSNP rs1460919356, ClinGen allele CA492960848.